The following is an entry in ClinVar:

NC_012920.1(MT-TL1):m.3302A>G

Gene: MT-TL1 (mitochondrially encoded tRNA leucine 1 (UUA/G); plus strand).
Variant type: single nucleotide variant.
Genome position: chrM-3302-A-G.
Other names: 3302A-G.
Identifiers: ClinVar variation 689871 (VCV000689871.6), dbSNP rs1603218878, ClinGen allele CA913169174.

ClinVar aggregate classification (germline): Likely pathogenic. Review status: reviewed by expert panel (3 of 4 stars). 7 submissions from 6 submitters: Likely pathogenic (1). 6 of the submissions do not count toward it. Last evaluated 2022-11-14.

Conditions:
Mitochondrial disease. Also called: Mitochondrial disorders; Mitochondrial disorder. Identifiers: Orphanet 68380, MedGen C0751651, MeSH D028361, MONDO:0044970.
MELAS syndrome (MELAS). Also called: Juvenile myopathy, encephalopathy, lactic acidosis, stroke. Identifiers: Orphanet 550, MedGen C0162671, MONDO:0010789, OMIM 540000.
MT-TL1-related disorder.
MITOCHONDRIAL CARDIOMYOPATHY WITH OR WITHOUT SKELETAL MYOPATHY.
MITOCHONDRIAL SKELETAL MYOPATHY.

Submissions (7):

ClinGen Mitochondrial Disease Nuclear and Mitochondrial  Variant Curation Expert Panel, ClinGen
Classification: Likely pathogenic for Mitochondrial disease. Last evaluated: 2022-11-14. Review status: reviewed by expert panel. Criteria: McCormick et al. (Hum Mutat. 2020). Collection method: curation. Allele origin: germline. Inheritance: Mitochondrial inheritance.
Comment: The m.3302A>G variant in MT-TL1 has been reported in four unrelated individuals with primary mitochondrial disease. Three individuals had features consistent with MELAS and the fourth had myopathy and respiratory failure. The heteroplasmy levels of the variant in affected individuals ranged from 45% to homoplasmic (PS4_moderate; PMIDs: 19370763, 8366098). An unaffected maternal aunt did not harbor the variant in her white blood cells (PP1; PMID: 8366098). There are no reports of de novo occurrences to our knowledge. Cybrid studies supported the functional impact of this variant as cybrids with the variant present at 98% heteroplasmy had a 6-fold reduction of respiration compared to those with 77% heteroplasmy showing no respiration defect (PS3_supporting; PMID: 17130166). The computational predictor MitoTIP suggests this variant is pathogenic (85.9 percentile) and HmtVAR predicts it to be pathogenic score of 0.85 (PP3). This variant is absent in the GenBank dataset, Helix dataset, and gnomAD v3.1.2 (PM2_supporting). In summary, this variant meets criteria to be classified as likely pathogenic for primary mitochondrial disease inherited in a mitochondrial manner. This classification was approved by the NICHD/NINDS U24 ClinGen Mitochondrial Disease Variant Curation Expert Panel on November 14, 2022. Mitochondrial DNA-specific ACMG/AMP criteria applied (PMID: 32906214): PS4_moderate, PP1, PS3_supporting, PM2_supporting, PP3.

3billion
Classification: Likely pathogenic for MT-TL1-related disorder. Last evaluated: 2024-07-11. Review status: criteria provided, single submitter. Criteria: ACMG Guidelines, 2015. Collection method: clinical testing. Allele origin: germline. Affected: yes. Not counted in ClinVar's aggregate classification.
Comment: The variant is not observed in the gnomAD v4.0.0 dataset. Predicted Consequence/Location: Mitochondrial variant In silico tool predictions suggest damaging effect of the variant on gene or gene product (mitoTIP : 85.9>=50, HmtVAR : 0.85>0.35). The variant has been reported at least twice as pathogenic with clinical assertions and evidence for the classification (ClinVar ID: VCV000689871). Therefore, this variant is classified as Likely pathogenic according to the recommendation of ACMG/AMP guideline.

Mendelics
Classification: Pathogenic for MELAS syndrome. Last evaluated: 2022-05-04. Review status: criteria provided, single submitter. Criteria: Mendelics Assertion Criteria 2019. Collection method: clinical testing. Allele origin: germline. Not counted in ClinVar's aggregate classification.

Wong Mito Lab, Molecular and Human Genetics, Baylor College of Medicine
Classification: Pathogenic for MELAS syndrome. Last evaluated: 2019-07-12. Review status: criteria provided, single submitter. Criteria: Modified ACMG Guidelines (Unpublished). Collection method: clinical testing. Allele origin: germline. Not counted in ClinVar's aggregate classification.
Comment: The NC_012920.1:m.3302A>G variant in MT-TL1 gene is interpreted to be a Pathogenic variant based on the modified ACMG guidelines (unpublished). This variant meets the following evidence codes reported in the guidelines: PS3, PS5, PM7

Solve-RD Consortium
Classification: Likely pathogenic for MELAS syndrome. Review status: criteria provided, single submitter. Criteria: ACMG/ClinGen CNV Guidelines, 2019. Collection method: provider interpretation. Allele origin: germline. Inheritance: Mitochondrial inheritance. Affected: yes. Study: Solve-RD DIFT-EpiCARE reanalysis. Not counted in ClinVar's aggregate classification.
Comment: PS3, PS5, PM7

Variant identified during reanalysis of unsolved cases by the Solve-RD project. The Solve-RD project has received funding from the European Union’s Horizon 2020 research and innovation programme under grant agreement No 779257.

OMIM
Classification: Pathogenic for MITOCHONDRIAL SKELETAL MYOPATHY. Last evaluated: 2026-08-14. Review status: no assertion criteria provided. Collection method: literature only. Allele origin: germline. Not counted in ClinVar's aggregate classification.

OMIM
Classification: Pathogenic for MITOCHONDRIAL CARDIOMYOPATHY WITH OR WITHOUT SKELETAL MYOPATHY. Last evaluated: 2026-08-14. Review status: no assertion criteria provided. Collection method: literature only. Allele origin: germline. Not counted in ClinVar's aggregate classification.

Literature cited by the submitters: PubMed 31965079 (cited by Wong Mito Lab, Molecular and Human Genetics, Baylor College of Medicine); PubMed 8366098 (cited by Wong Mito Lab, Molecular and Human Genetics, Baylor College of Medicine and OMIM); PubMed 7635294 (cited by Wong Mito Lab, Molecular and Human Genetics, Baylor College of Medicine); PubMed 28716227 (cited by OMIM); PubMed 34991096 (cited by OMIM).